The following is an entry in ClinVar:

NM_001211.6(BUB1B):c.3020C>G (p.Ala1007Gly)

Genes: BUB1B (BUB1 mitotic checkpoint serine/threonine kinase B; plus strand), BUB1B-PAK6 (BUB1B-PAK6 readthrough; plus strand). Cytogenetic location: 15q15.1.
Variant type: single nucleotide variant.
Coding change: c.3020C>G on transcript NM_001211.6 (MANE Select); coding-DNA position 3020, C replaced by G.
Protein change: p.Ala1007Gly; replaces alanine 1007 with glycine.
Molecular consequence: missense variant. On other transcripts: intron variant (2).
Genome position (GRCh38, 1-based): chr15:40,220,626, C>G. VCF-style: chr15-40220626-C-G. GRCh37 (hg19) VCF-style: chr15-40512827-C-G.
Other names: c.-201+2959C>G (NM_001128628.3); c.-118+2959C>G (NM_001128629.3); short protein forms A1007G.
Identifiers: ClinVar variation 1034718 (VCV001034718.11), dbSNP rs370506288, ClinGen allele CA7476183.

ClinVar aggregate classification (germline): Uncertain significance. Review status: criteria provided, multiple submitters, no conflicts (2 of 4 stars). 2 submissions from 2 submitters: Uncertain significance (2). Last evaluated 2025-10-21.

Conditions:
Mosaic variegated aneuploidy syndrome 1 (MVA1). Also called: Warburton-Anyane-Yeboa syndrome. Identifiers: Orphanet 1052, MedGen C1850343, MONDO:0009759, OMIM 257300.
Inborn genetic diseases. Identifiers: MedGen C0950123, MeSH D030342.

Allele frequency attached by ClinVar (database versions not stated): gnomAD exomes 0.00001; ExAC 0.00002; gnomAD 0.00002; TOPMed 0.00005; ESP Exome Variant Server 0.00015.
gnomAD v4.1: 14 of 1,614,032 alleles (0.00087%); highest among the groups gnomAD compares: African/African-American, 0.019%; no homozygotes.

Submissions (2):

Ambry Genetics
Classification: Uncertain significance for Inborn genetic diseases. Last evaluated: 2025-10-21. Review status: criteria provided, single submitter. Criteria: Ambry Variant Classification Scheme 2023. Collection method: clinical testing. Allele origin: germline.

Labcorp Genetics (formerly Invitae), Labcorp
Classification: Uncertain significance for Mosaic variegated aneuploidy syndrome 1. Last evaluated: 2024-10-22. Review status: criteria provided, single submitter. Criteria: Invitae Variant Classification Sherloc (09022015). Collection method: clinical testing. Allele origin: germline.
Comment: This sequence change replaces alanine, which is neutral and non-polar, with glycine, which is neutral and non-polar, at codon 1007 of the BUB1B protein (p.Ala1007Gly). This variant is present in population databases (rs370506288, gnomAD 0.02%). This variant has not been reported in the literature in individuals affected with BUB1B-related conditions. ClinVar contains an entry for this variant (Variation ID: 1034718). An algorithm developed to predict the effect of missense changes on protein structure and function (PolyPhen-2) suggests that this variant is likely to be tolerated. In summary, the available evidence is currently insufficient to determine the role of this variant in disease. Therefore, it has been classified as a Variant of Uncertain Significance.